The following is an entry in ClinVar:

ClinVar aggregate classification (germline): Likely pathogenic (3 of 4 stars; one submission).

Conditions:
Bernard Soulier syndrome (BSS). Also called: BLEEDING DISORDER, PLATELET-TYPE, 1; PLATELET GLYCOPROTEIN Ib DEFICIENCY; VON WILLEBRAND FACTOR RECEPTOR DEFICIENCY; Platelet Glycoprotein 1b, Deficiency of; Giant platelet syndrome; Hemorrhagiparous thrombocytic dystrophy. Identifiers: Orphanet 274, MedGen C0005129, MeSH D001606, MONDO:0009276, OMIM 231200.

Submission:

ClinGen Platelet Disorders Variant Curation Expert Panel, ClinGen
Classification: Likely pathogenic for Bernard Soulier syndrome. Last evaluated: 2026-03-17. Review status: reviewed by expert panel. Criteria: ClinGen Platelet ACMG Specifications GP1BA V1.0.0. Collection method: curation. Allele origin: germline. Inheritance: Autosomal recessive inheritance.
Comment: The c.1253_1257dup (p.Ser420ProfsTer54) variant in GP1BA is a frameshift variant that may cause loss of function of the protein, however it is predicted to escape nonsense mediated decay and remove >10% of the protein (PVS1_Strong). At least one patient (Patient BS-35 in PMID:21699652) with this variant had aggregation absent for ristocetin and present for all other agonists, which is highly specific for Bernard-Soulier syndrome. Additionally, the patient had excessive mucocutaneous bleeding is consistent with Bernard-Soulier syndrome (PP4). This variant is absent from gnomAD v4.1.0 (PM2_Supporting). In summary, this variant meets the criteria to be classified as Likely Pathogenic for autosomal recessive Bernard-Soulier syndrome based on the ACMG/AMP criteria applied, as specified by the ClinGen PD VCEP: PVS1_Strong, PP4, PM3_Supporting and PM2_Supporting (VCEP specifications version 1.1).

NM_000173.7(GP1BA):c.1253_1257dup (p.Ser420fs)

Gene: GP1BA (glycoprotein Ib platelet subunit alpha; plus strand). Cytogenetic location: 17p13.2.
Variant type: Duplication.
Coding change: c.1253_1257dup on transcript NM_000173.7 (MANE Select); coding-DNA positions 1253 to 1257, 5 bases duplicated (CCCCC; older notation c.1253_1257dupCCCCC).
Protein change: p.Ser420fs; shifts the reading frame from serine 420.
Molecular consequence: frameshift variant.
Genome position (GRCh38, 1-based): chr17:4,933,857-4,933,861, CCCCC duplicated. VCF-style (leftmost placement, unchanged base first): chr17-4933856-G-GCCCCC. GRCh37 (hg19) VCF-style: chr17-4837151-G-GCCCCC.
Other names: NM_000173.7:c.1253_1257dup; short protein forms S420fs.
Identifiers: ClinVar variation 4849261 (VCV004849261.1).